The following is an entry in ClinVar:

ClinVar aggregate classification (germline): Uncertain significance. Review status: reviewed by expert panel (3 of 4 stars). 8 submissions from 8 submitters: Uncertain significance (1). 7 of the submissions do not count toward it. Last evaluated 2023-02-18.

Conditions:
Classic or attenuated familial adenomatous polyposis. Identifiers: MedGen CN372698, MONDO:0021057.
Familial adenomatous polyposis 1 (FAP1). Also called: POLYPOSIS, ADENOMATOUS INTESTINAL; FAMILIAL ADENOMATOUS POLYPOSIS 1, ATTENUATED. Identifiers: MedGen C2713442, MONDO:0021056, OMIM 175100. Disease mechanism: loss of function.
Hereditary cancer-predisposing syndrome. Also called: Hereditary Cancer Syndrome; Tumor predisposition; Hereditary neoplastic syndrome; Neoplastic Syndromes, Hereditary. Identifiers: Orphanet 140162, MedGen C0027672, MeSH D009386, MONDO:0015356.

Submissions (8):

ClinGen InSiGHT Hereditary Colorectal Cancer/Polyposis Variant Curation Expert Panel
Classification: Uncertain significance for Familial adenomatous polyposis 1. Last evaluated: 2023-02-18. Review status: reviewed by expert panel. Criteria: ClinGen InSiGHT HCCP VCEP ACMG Specifications APC V1. Collection method: curation. Allele origin: germline. Inheritance: Autosomal dominant inheritance.
Comment: The c.32dup (p.Gln12Alafs*3) variant in APC is a duplication variant which inserts 1 nucleotide in the first coding exon of the APC gene, creating a frameshift and premature translation stop signal. Since the frameshift and the premature truncation codon occurs upstream of codon 49, PVS1 does not apply according to the APC-specific modifications of the PVS1 decision tree (PVS1 not met). The variant is not reported in gnomAD v2.1.1 (PM2_supporting). This variant has been observed in heterozygous state in 3 healthy unrelated adult individuals worth 1.5 healthy individual points in total (BS2_variable not met; Invitae and GeneDX internal data). In summary, this variant is a VUS for FAP based on the ACMG/AMP criteria applied, as specified by the ClinGen InSiGHT Hereditary Colorectal Cancer/Polyposis Variant Curation Expert Panel: PM2_Supporting (VCEP specifications version 1; date of approval 12/12/22).

Myriad Genetics, Inc.
Classification: Pathogenic for Familial adenomatous polyposis 1. Last evaluated: 2026-06-01. Review status: criteria provided, single submitter. Criteria: Myriad Autosomal Dominant, Autosomal Recessive and X-Linked Classification Criteria (2023). Collection method: clinical testing. Allele origin: unknown. Not counted in ClinVar's aggregate classification.
Comment: This variant is considered pathogenic. This variant creates a frameshift predicted to result in premature protein truncation.

Ambry Genetics
Classification: Uncertain significance for Hereditary cancer-predisposing syndrome. Last evaluated: 2025-09-16. Review status: criteria provided, single submitter. Criteria: Ambry Variant Classification Scheme 2023. Collection method: clinical testing. Allele origin: germline. Not counted in ClinVar's aggregate classification.
Comment: The c.32dupA variant, located in coding exon 1 of the APC gene, results from a duplication of A at nucleotide position 32, causing a translational frameshift with a predicted alternate stop codon (p.Q12Afs*3). The predicted stop codon occurs in the 5&rsquo; end of theAPC gene. Premature termination codons in the 5&rsquo; end of a gene have been reported to escape nonsense-mediated mRNAdecay and/or lead to re-initiation (Rivas et al. Science. 2015 May 8;348(6235):666-9; Lindeboom et al. Nat Genet. 2016 Oct;48(10):1112-8; Rhee et al. Sci Rep. 2017 May 10;7(1):1653). The exact functional effect of this alteration is unknown. Since supporting evidence is limited at this time, the clinical significance of this alteration remains unclear.

Women's Health and Genetics/Laboratory Corporation of America, LabCorp
Classification: Uncertain significance. Last evaluated: 2025-01-30. Review status: criteria provided, single submitter. Criteria: LabCorp Variant Classification Summary - May 2015. Collection method: clinical testing. Allele origin: germline. Not counted in ClinVar's aggregate classification.
Comment: Variant summary: APC c.32dupA (p.Gln12AlafsX3) results in a premature termination codon, predicted to cause a truncation of the encoded protein. However, in accordance with guidelines provided by InSiGHT panel this variant may not undergo nonsense mediated decay (Spier_2024). The variant was absent in 251338 control chromosomes. The available data on variant occurrences in the general population are insufficient to allow any conclusion about variant significance. To our knowledge, no occurrence of c.32dupA in individuals affected with Familial Adenomatous Polyposis and no experimental evidence demonstrating its impact on protein function have been reported. The following publication have been ascertained in the context of this evaluation (PMID: 37800450). ClinVar contains an entry for this variant (Variation ID: 628229). Based on the evidence outlined above, the variant was classified as uncertain significance.

All of Us Research Program, National Institutes of Health
Classification: Uncertain significance for Classic or attenuated familial adenomatous polyposis. Last evaluated: 2024-08-06. Review status: criteria provided, single submitter. Criteria: ACMG Guidelines, 2015. Collection method: clinical testing. Allele origin: germline. Inheritance: Autosomal dominant inheritance. Observed: 2 variant alleles, 2 heterozygotes. Not counted in ClinVar's aggregate classification.
Comment: This variant inserts 1 nucleotide in exon 2 of the APC gene, creating a frameshift and premature translation stop signal. Alterations that cause premature truncation in the amino (N-) terminus of the APC protein have been associated with an attenuated phenotype and may have reduced penetrance and/or expressivity in comparison to classic familial adenomatous polyposis syndrome (FAP; PMID: 9585611, 11257105). To our knowledge, this variant has not been reported in individuals affected with APC-related disorders in the literature. This variant has not been identified in the general population by the Genome Aggregation Database (gnomAD). Loss of APC function is a known mechanism of disease. Although there is a suspicion that this variant may be associated with disease, additional functional and clinical studies are necessary to determine the role of this variant in disease conclusively. Therefore, this variant is classified as a Variant of Uncertain Significance

This study involves interpretation of variants in research participants for the purpose of population health screening. Participant phenotype was not available at the time of variant classification. Additional details can be found in publication PMID: 35346344, PMCID: PMC8962531

GeneDx
Classification: Uncertain significance. Last evaluated: 2024-05-29. Review status: criteria provided, single submitter. Criteria: GeneDx Variant Classification Process June 2021. Collection method: clinical testing. Allele origin: germline. Affected: yes. Not counted in ClinVar's aggregate classification.
Comment: Frameshift variant in a gene for which loss-of-function is a known mechanism of disease; however, a downstream in-frame Methionine residue could serve as an alternate initiator codon which, if utilized, may result in a functional protein; Not observed at significant frequency in large population cohorts (gnomAD); Has not been previously published as pathogenic or benign to our knowledge; This variant is associated with the following publications: (PMID: 37800450)

Color Diagnostics, LLC DBA Color Health
Classification: Uncertain significance for Hereditary cancer-predisposing syndrome. Last evaluated: 2023-11-07. Review status: criteria provided, single submitter. Criteria: ACMG Guidelines, 2015. Collection method: clinical testing. Allele origin: germline. Not counted in ClinVar's aggregate classification.
Comment: This variant inserts 1 nucleotide in exon 2 of the APC gene, creating a frameshift and premature translation stop signal. Alterations that cause premature truncation in the amino (N-) terminus of the APC protein have been associated with an attenuated phenotype and may have reduced penetrance and/or expressivity in comparison to classic familial adenomatous polyposis syndrome (FAP; PMID: 9585611, 11257105). To our knowledge, this variant has not been reported in individuals affected with APC-related disorders in the literature. This variant has not been identified in the general population by the Genome Aggregation Database (gnomAD). Loss of APC function is a known mechanism of disease. Although there is a suspicion that this variant may be associated with disease, additional functional and clinical studies are necessary to determine the role of this variant in disease conclusively. Therefore, this variant is classified as a Variant of Uncertain Significance

Labcorp Genetics (formerly Invitae), Labcorp
Classification: Pathogenic for Familial adenomatous polyposis 1. Last evaluated: 2018-09-10. Review status: criteria provided, single submitter. Criteria: Invitae Variant Classification Sherloc (09022015). Collection method: clinical testing. Allele origin: germline. Not counted in ClinVar's aggregate classification.
Comment: For these reasons, this variant has been classified as Pathogenic. Loss-of-function variants in APC are known to be pathogenic (PMID: 17963004, 20685668). This variant has not been reported in the literature in individuals with APC-related disease. This variant is not present in population databases (ExAC no frequency). This sequence change creates a premature translational stop signal (p.Gln12Alafs*3) in the APC gene. It is expected to result in an absent or disrupted protein product.

Literature cited by the submitters: PubMed 37800450 (cited by Women's Health and Genetics/Laboratory Corporation of America, LabCorp); PubMed 9585611 (cited by All of Us Research Program, National Institutes of Health); PubMed 11257105 (cited by All of Us Research Program, National Institutes of Health); PubMed 17963004 (cited by Labcorp Genetics (formerly Invitae), Labcorp); PubMed 20685668 (cited by Labcorp Genetics (formerly Invitae), Labcorp).

NM_000038.6(APC):c.32dup (p.Gln12fs)

Gene: APC (APC regulator of Wnt signaling pathway; plus strand). Cytogenetic location: 5q22.2.
Variant type: Duplication.
Coding change: c.32dup on transcript NM_000038.6 (MANE Select); coding-DNA position 32, one base duplicated (A; older notation c.32dupA).
Protein change: p.Gln12fs; shifts the reading frame from glutamine 12.
Molecular consequence: frameshift variant. On other transcripts: 5 prime UTR variant (1), intron variant (8).
Genome position (GRCh38, 1-based): chr5:112,754,922, A duplicated; the last of 3 consecutive A bases (chr5:112,754,920-112,754,922); duplicating any one gives the same sequence. VCF-style (leftmost placement, unchanged base first): chr5-112754919-T-TA. GRCh37 (hg19) VCF-style: chr5-112090616-T-TA.
Other names: NM_000038.6(APC):c.32dup; p.Gln12fs; c.32dupA (NM_000038.6, NM_000038.5); c.32dup, p.Gln12fs (NM_001127510.3, NM_001354895.2, NM_001354896.2 and 2 more transcripts); c.-1004dup (NM_001354906.2); c.166-11404dup (NM_001354897.2, NM_001354902.2, NM_001127511.3); c.61-11404dup (NM_001354898.2, NM_001354904.2); c.-42-11404dup (NM_001354900.2, NM_001354901.2, NM_001354905.2); short protein forms Q12fs.
Identifiers: ClinVar variation 628229 (VCV000628229.22), dbSNP rs1561444620, ClinGen allele CA913188120.
Genomic context (GRCh38, chr5:112,754,919, plus strand): 5'-TTTTAACCTTATAGGTCCAAGGGTAGCCAAGGATGGCTGCAGCTTCATATGATCAGTTGT[T>TA]AAAGCAAGTTGAGGCACTGAAGATGGAGAACTCAAATCTTCGACAAGAGCTAGAAGATAA-3'